The following is an entry in ClinVar:

NM_001042492.3(NF1):c.1527+14del

Gene: NF1 (neurofibromin 1; plus strand). Cytogenetic location: 17q11.2.
Variant type: Deletion.
Coding change: c.1527+14del on transcript NM_001042492.3 (MANE Select); 14 bases into the intron after coding-DNA position 1527, one base deleted (T; older notation c.1527+14delT).
Molecular consequence: intron variant.
Genome position (GRCh38, 1-based): chr17:31,214,599, T deleted; the last of 7 consecutive T bases (chr17:31,214,593-31,214,599); deleting any one gives the same sequence. VCF-style (leftmost placement, unchanged base first): chr17-31214592-AT-A. GRCh37 (hg19) VCF-style: chr17-29541610-AT-A.
Other names: c.1527+14del (NM_000267.4, NM_001128147.3).
Identifiers: ClinVar variation 1169079 (VCV001169079.9), dbSNP rs772159080, ClinGen allele CA625468524.
Genomic context (GRCh38, chr17:31,214,592, plus strand): 5'-CTTCTCTTGTCCATGGTGAAACTAATTCATGCAGATCCAAAGCTCTTGCTTTGTGTAAGT[AT>A]TTTTTTATGAAATGTCTCAAAATTATCACACTAAGTTAATTGGGTTTAGCTGAAACGCCA-3'

ClinVar aggregate classification (germline): Benign. Review status: criteria provided, single submitter (1 of 4 stars). 2 submissions from 2 submitters: Benign (1). 1 of the submissions does not count toward it. Last evaluated 2020-10-05.

Conditions:
NF1-related disorder. Also called: NF1-related condition. Identifiers: MedGen CN379171.
Neurofibromatosis, type 1 (NF1). Also called: Peripheral type neurofibromatosis; Neurofibromatosis, type I; VON RECKLINGHAUSEN DISEASE; NEUROFIBROMATOSIS, TYPE I, SOMATIC. Identifiers: Orphanet 636, MedGen C0027831, MONDO:0018975, OMIM 162200. Disease mechanism: loss of function.

Submissions (2):

Labcorp Genetics (formerly Invitae), Labcorp
Classification: Benign for Neurofibromatosis, type 1. Last evaluated: 2020-10-05. Review status: criteria provided, single submitter. Criteria: Invitae Variant Classification Sherloc (09022015). Collection method: clinical testing. Allele origin: germline.

PreventionGenetics, part of Exact Sciences
Classification: Likely benign for NF1-related condition. Last evaluated: 2019-07-01. Review status: no assertion criteria provided. Collection method: clinical testing. Allele origin: germline. Not counted in ClinVar's aggregate classification.
Comment: This variant is classified as likely benign based on ACMG/AMP sequence variant interpretation guidelines (Richards et al. 2015 PMID: 25741868, with internal and published modifications).